The following is an entry in ClinVar:

NM_006312.6(NCOR2):c.1496AGC[14] (p.Gln510_Pro511insGlnGln)

Gene: NCOR2 (nuclear receptor corepressor 2; minus strand). Cytogenetic location: 12q24.31.
Variant type: Microsatellite.
Coding change: c.1496AGC[14] on transcript NM_006312.6 (MANE Select); 14 copies in a row of the 3-base unit AGC starting at c.1496; the reference has 12 copies in a row; two copies, 6 bases duplicated.
Protein change: p.Gln510_Pro511insGlnGln.
Genome position (GRCh38, 1-based): chr12:124,402,513-124,402,518, GCTGCT duplicated on the plus strand (AGCAGC on the coding strand, the reverse complement: NCOR2 is on the minus strand); duplicating any 6 consecutive bases within chr12:124,402,513-124,402,549 gives the same sequence; the position shown is the placement nearest the transcript's 3' end. VCF-style (leftmost placement, unchanged base first): chr12-124402512-G-GGCTGCT. GRCh37 (hg19) VCF-style: chr12-124887058-G-GGCTGCT.
Other names: c.1493AGC[14], p.Gln509_Pro510insGlnGln (NM_001077261.4, NM_001206654.2).
Identifiers: ClinVar variation 3060828 (VCV003060828.2), dbSNP rs35831183, ClinGen allele CA6869460.

ClinVar aggregate classification (germline): Benign (0 of 4 stars; one submission).

Conditions:
NCOR2-related disorder. Also called: NCOR2-related condition.

Submission:

PreventionGenetics, part of Exact Sciences
Classification: Benign for NCOR2-related condition. Last evaluated: 2019-02-22. Review status: no assertion criteria provided. Collection method: clinical testing. Allele origin: germline.
Comment: This variant is classified as benign based on ACMG/AMP sequence variant interpretation guidelines (Richards et al. 2015 PMID: 25741868, with internal and published modifications).